The following is an entry in ClinVar:

NM_198075.4(LRRC56):c.1244G>A (p.Arg415Gln)

Gene: LRRC56 (leucine rich repeat containing 56; plus strand). Cytogenetic location: 11p15.5.
Variant type: single nucleotide variant.
Coding change: c.1244G>A on transcript NM_198075.4 (MANE Select); coding-DNA position 1244, G replaced by A.
Protein change: p.Arg415Gln; replaces arginine 415 with glutamine.
Molecular consequence: missense variant.
Genome position (GRCh38, 1-based): chr11:552,631, G>A. VCF-style: chr11-552631-G-A. GRCh37 (hg19) VCF-style: chr11-552631-G-A.
Other names: c.1244G>A (NM_198075.3); short protein forms R415Q.
Identifiers: ClinVar variation 1520443 (VCV001520443.15), dbSNP rs138766042, ClinGen allele CA5780030.

ClinVar aggregate classification (germline): Conflicting classifications of pathogenicity. Review status: criteria provided, conflicting classifications (1 of 4 stars). 6 submissions from 6 submitters: Uncertain significance (2); Likely benign (3). 1 of the submissions does not count toward it. Last evaluated 2025-04-01.

Conditions:
LRRC56-related disorder. Also called: LRRC56-related condition.

Allele frequency attached by ClinVar (database versions not stated): 1000 Genomes Project 30x 0.00031; 1000 Genomes Project 0.00040; gnomAD 0.00046; TOPMed 0.00052; gnomAD exomes 0.00065; ExAC 0.00068; ESP Exome Variant Server 0.00069.
gnomAD v4.1: 835 of 1,611,034 alleles (0.052%); highest among the groups gnomAD compares: Middle Eastern, 1.5%; 5 homozygotes.

Submissions (6):

CeGaT Center for Human Genetics Tuebingen
Classification: Likely benign. Last evaluated: 2025-04-01. Review status: criteria provided, single submitter. Criteria: CeGaT Center For Human Genetics Tuebingen Variant Classification Criteria Version 2. Collection method: clinical testing. Allele origin: germline. Affected: yes. Observed: 1 variant allele.
Comment: LRRC56: BP4, BS2

Blueprint Genetics
Classification: Likely benign. Last evaluated: 2024-11-21. Review status: criteria provided, single submitter. Criteria: ACMG Guidelines, 2015. Collection method: clinical testing. Allele origin: germline.

Labcorp Genetics (formerly Invitae), Labcorp
Classification: Uncertain significance. Last evaluated: 2022-10-12. Review status: criteria provided, single submitter. Criteria: Invitae Variant Classification Sherloc (09022015). Collection method: clinical testing. Allele origin: germline.
Comment: This sequence change replaces arginine, which is basic and polar, with glutamine, which is neutral and polar, at codon 415 of the LRRC56 protein (p.Arg415Gln). This variant is present in population databases (rs138766042, gnomAD 0.2%), and has an allele count higher than expected for a pathogenic variant. This variant has not been reported in the literature in individuals affected with LRRC56-related conditions. ClinVar contains an entry for this variant (Variation ID: 1520443). Advanced modeling of protein sequence and biophysical properties (such as structural, functional, and spatial information, amino acid conservation, physicochemical variation, residue mobility, and thermodynamic stability) performed at Invitae indicates that this missense variant is not expected to disrupt LRRC56 protein function. In summary, the available evidence is currently insufficient to determine the role of this variant in disease. Therefore, it has been classified as a Variant of Uncertain Significance.

Ambry Genetics
Classification: Likely benign. Last evaluated: 2021-10-22. Review status: criteria provided, single submitter. Criteria: Ambry Variant Classification Scheme 2023. Collection method: clinical testing. Allele origin: germline.

Breakthrough Genomics
Classification: Uncertain significance. Review status: criteria provided, single submitter. Criteria: ACMG Guidelines, 2015. Collection method: not provided. Allele origin: germline. Inheritance: Autosomal recessive inheritance. Affected: yes.

PreventionGenetics, part of Exact Sciences
Classification: Likely benign for LRRC56-related condition. Last evaluated: 2022-10-17. Review status: no assertion criteria provided. Collection method: clinical testing. Allele origin: germline. Not counted in ClinVar's aggregate classification.
Comment: This variant is classified as likely benign based on ACMG/AMP sequence variant interpretation guidelines (Richards et al. 2015 PMID: 25741868, with internal and published modifications).